The following is an entry in ClinVar:

NM_006618.5(KDM5B):c.3423+2T>C

Gene: KDM5B (lysine demethylase 5B; minus strand). Cytogenetic location: 1q32.1.
Variant type: single nucleotide variant.
Coding change: c.3423+2T>C on transcript NM_006618.5 (MANE Select); the canonical splice donor site of the intron after coding-DNA position 3423, T replaced by C.
Molecular consequence: splice donor variant.
Genome position (GRCh38, 1-based): chr1:202,735,427, A>G on the plus strand (T>C on the coding strand, the complement: KDM5B is on the minus strand). VCF-style: chr1-202735427-A-G. GRCh37 (hg19) VCF-style: chr1-202704555-A-G.
Other names: c.3408+2T>C (NM_001399817.1); c.3288+2T>C (NM_001347591.2); c.3531+2T>C (NM_001314042.2).
Identifiers: ClinVar variation 3368747 (VCV003368747.2).

ClinVar aggregate classification (germline): Likely pathogenic (1 of 4 stars; one submission).

gnomAD v4.1: 2 of 1,610,928 alleles (0.00012%); highest among the groups gnomAD compares: African/African-American, 0.0013%; no homozygotes.

Submission:

GeneDx
Classification: Likely pathogenic. Last evaluated: 2026-08-28. Review status: criteria provided, single submitter. Criteria: GeneDx Variant Classification Process June 2021. Collection method: clinical testing. Allele origin: germline.
Comment: Canonical splice site variant predicted to result in an in-frame loss of the adjacent exon in a gene for which loss of function is a known mechanism of disease; Not observed at significant frequency in large population cohorts (gnomAD); Has not been previously published as pathogenic or benign to our knowledge